The following is an entry in ClinVar:

ClinVar aggregate classification (germline): Uncertain significance (1 of 4 stars; one submission).

gnomAD v4.1: 8 of 1,614,132 alleles (0.0005%); highest among the groups gnomAD compares: Non-Finnish European, 0.00068%; no homozygotes.

Submission:

GeneDx
Classification: Uncertain significance. Last evaluated: 2026-01-22. Review status: criteria provided, single submitter. Criteria: GeneDx Variant Classification Process June 2021. Collection method: clinical testing. Allele origin: germline.
Comment: Not observed at significant frequency in large population cohorts (gnomAD); Missense variant in a gene in which most reported pathogenic variants are truncating/loss of function; Has not been previously published as pathogenic or benign to our knowledge

NM_001267550.2(TTN):c.450C>A (p.Phe150Leu)

Gene: TTN (titin; minus strand). Cytogenetic location: 2q31.2.
Variant type: single nucleotide variant.
Coding change: c.450C>A on transcript NM_001267550.2 (MANE Select); coding-DNA position 450, C replaced by A.
Protein change: p.Phe150Leu; replaces phenylalanine 150 with leucine.
Molecular consequence: missense variant.
Genome position (GRCh38, 1-based): chr2:178,800,528, G>T on the plus strand (C>A on the coding strand, the complement: TTN is on the minus strand). VCF-style: chr2-178800528-G-T. GRCh37 (hg19) VCF-style: chr2-179665255-G-T.
Other names: c.450C>A, p.Phe150Leu (NM_001256850.1, NM_003319.4, NM_133378.4 and 3 more transcripts); short protein forms F150L.
Identifiers: ClinVar variation 4975455 (VCV004975455.1).